The following is an entry in ClinVar:

NM_144687.4(NLRP12):c.2243+6T>C

Gene: NLRP12 (NLR family pyrin domain containing 12; minus strand). Cytogenetic location: 19q13.42.
Variant type: single nucleotide variant.
Coding change: c.2243+6T>C on transcript NM_144687.4 (MANE Select); 6 bases into the intron after coding-DNA position 2243, T replaced by C.
Molecular consequence: intron variant.
Genome position (GRCh38, 1-based): chr19:53,807,489, A>G on the plus strand (T>C on the coding strand, the complement: NLRP12 is on the minus strand). VCF-style: chr19-53807489-A-G. GRCh37 (hg19) VCF-style: chr19-54310743-A-G.
Other names: c.2243+6T>C (NM_001277129.1); c.2246+6T>C (NM_001277126.2).
Identifiers: ClinVar variation 1056202 (VCV001056202.10), dbSNP rs199816769, ClinGen allele CA9639179.
Genomic context (GRCh38, chr19:53,807,489, plus strand): 5'-GTGACTGATCCCCATGAGAGGCCACGGTGGGGACCACCTGAAACGCCCAGACCAGCCTGC[A>G]CTCACCTCAGGTTCTGAAGTTTGCAGTTGGGGTGTCTGAGTCCTTGACAGAGCAGCTTCA-3'

ClinVar aggregate classification (germline): Conflicting classifications of pathogenicity. Review status: criteria provided, conflicting classifications (1 of 4 stars). 2 submissions from 2 submitters: Uncertain significance (1); Likely benign (1). Last evaluated 2023-05-24.

Conditions:
Familial cold autoinflammatory syndrome 2 (FCAS2). Identifiers: Orphanet 247868, MedGen C2673198, MONDO:0012724, OMIM 611762.

Allele frequency attached by ClinVar (database versions not stated): gnomAD exomes 0.00001 and 0.00003; ExAC 0.00003; ESP Exome Variant Server 0.00008; TOPMed 0.00010; gnomAD 0.00011; 1000 Genomes Project 30x 0.00016; 1000 Genomes Project 0.00020.
gnomAD v4.1: 32 of 1,613,252 alleles (0.002%); highest among the groups gnomAD compares: African/African-American, 0.039%; no homozygotes.

Submissions (2):

Labcorp Genetics (formerly Invitae), Labcorp
Classification: Uncertain significance for Familial cold autoinflammatory syndrome 2. Last evaluated: 2023-05-24. Review status: criteria provided, single submitter. Criteria: Invitae Variant Classification Sherloc (09022015). Collection method: clinical testing. Allele origin: germline.
Comment: This sequence change falls in intron 4 of the NLRP12 gene. It does not directly change the encoded amino acid sequence of the NLRP12 protein. It affects a nucleotide within the consensus splice site. In summary, the available evidence is currently insufficient to determine the role of this variant in disease. Therefore, it has been classified as a Variant of Uncertain Significance. Variants that disrupt the consensus splice site are a relatively common cause of aberrant splicing (PMID: 17576681, 9536098). Algorithms developed to predict the effect of sequence changes on RNA splicing suggest that this variant is not likely to affect RNA splicing. ClinVar contains an entry for this variant (Variation ID: 1056202). This variant has not been reported in the literature in individuals affected with NLRP12-related conditions. This variant is present in population databases (rs199816769, gnomAD 0.03%).

Blueprint Genetics
Classification: Likely benign. Last evaluated: 2021-07-29. Review status: criteria provided, single submitter. Criteria: ACMG Guidelines, 2015. Collection method: clinical testing. Allele origin: germline.

Literature cited by the submitters: PubMed 17576681 (cited by Labcorp Genetics (formerly Invitae), Labcorp); PubMed 9536098 (cited by Labcorp Genetics (formerly Invitae), Labcorp).